The following is an entry in ClinVar:

NM_016219.5(MAN1B1):c.1687A>G (p.Met563Val)

Gene: MAN1B1 (mannosidase alpha class 1B member 1; plus strand). Cytogenetic location: 9q34.3.
Variant type: single nucleotide variant.
Coding change: c.1687A>G on transcript NM_016219.5 (MANE Select); coding-DNA position 1687, A replaced by G.
Protein change: p.Met563Val; replaces methionine 563 with valine.
Molecular consequence: missense variant. On other transcripts: non-coding transcript variant (2).
Genome position (GRCh38, 1-based): chr9:137,107,370, A>G. VCF-style: chr9-137107370-A-G. GRCh37 (hg19) VCF-style: chr9-140001822-A-G.
Other names: c.1687A>G (NM_016219.3); short protein forms M563V.
Identifiers: ClinVar variation 1490461 (VCV001490461.7), dbSNP rs770987752, ClinGen allele CA5359330.

ClinVar aggregate classification (germline): Uncertain significance. Review status: criteria provided, multiple submitters, no conflicts (2 of 4 stars). 2 submissions from 2 submitters: Uncertain significance (2). Last evaluated 2026-05-20.

Conditions:
Inborn genetic diseases. Identifiers: MedGen C0950123, MeSH D030342.
Rafiq syndrome (RAFQS). Identifiers: Orphanet 88616, MedGen C3280127, MONDO:0013624, OMIM 614202.

Allele frequency attached by ClinVar (database versions not stated): ExAC 0.00002; gnomAD 0.00001; gnomAD exomes 0.00001; TOPMed 0.00001.
gnomAD v4.1: 10 of 1,613,248 alleles (0.00062%); highest among the groups gnomAD compares: South Asian, 0.0011%; no homozygotes.

Submissions (2):

Ambry Genetics
Classification: Uncertain significance for Inborn genetic diseases. Last evaluated: 2026-05-20. Review status: criteria provided, single submitter. Criteria: Ambry Variant Classification Scheme 2023. Collection method: clinical testing. Allele origin: germline.

Labcorp Genetics (formerly Invitae), Labcorp
Classification: Uncertain significance for Rafiq syndrome. Last evaluated: 2025-10-13. Review status: criteria provided, single submitter. Criteria: Invitae Variant Classification Sherloc (09022015). Collection method: clinical testing. Allele origin: germline.
Comment: This sequence change replaces methionine, which is neutral and non-polar, with valine, which is neutral and non-polar, at codon 563 of the MAN1B1 protein (p.Met563Val). This variant is present in population databases (rs770987752, gnomAD 0.003%). This variant has not been reported in the literature in individuals affected with MAN1B1-related conditions. ClinVar contains an entry for this variant (Variation ID: 1490461). An algorithm developed to predict the effect of missense changes on protein structure and function (PolyPhen-2) suggests that this variant is likely to be tolerated. In summary, the available evidence is currently insufficient to determine the role of this variant in disease. Therefore, it has been classified as a Variant of Uncertain Significance.